The following is an entry in ClinVar:

ClinVar aggregate classification (germline): Uncertain significance (1 of 4 stars; one submission).

Submission:

Labcorp Genetics (formerly Invitae), Labcorp
Classification: Uncertain significance. Last evaluated: 2024-02-24. Review status: criteria provided, single submitter. Criteria: Invitae Variant Classification Sherloc (09022015). Collection method: clinical testing. Allele origin: germline.
Comment: This variant, c.487_495del, results in the deletion of 3 amino acid(s) of the KCNV2 protein (p.Asn163_Tyr165del), but otherwise preserves the integrity of the reading frame. This variant is not present in population databases (gnomAD no frequency). This variant has not been reported in the literature in individuals affected with KCNV2-related conditions. ClinVar contains an entry for this variant (Variation ID: 1059391). Experimental studies and prediction algorithms are not available or were not evaluated, and the functional significance of this variant is currently unknown. In summary, the available evidence is currently insufficient to determine the role of this variant in disease. Therefore, it has been classified as a Variant of Uncertain Significance.

NM_133497.4(KCNV2):c.487_495del (p.Asn163_Tyr165del)

Gene: KCNV2 (potassium voltage-gated channel modifier subfamily V member 2; plus strand). Cytogenetic location: 9p24.2.
Variant type: Deletion.
Coding change: c.487_495del on transcript NM_133497.4 (MANE Select); coding-DNA positions 487 to 495, 9 bases deleted (AATTTCTAC; older notation c.487_495delAATTTCTAC).
Protein change: p.Asn163_Tyr165del.
Molecular consequence: inframe deletion.
Genome position (GRCh38, 1-based): chr9:2,718,226-2,718,234, AATTTCTAC deleted; deleting any 9 consecutive bases within chr9:2,718,221-2,718,234 gives the same sequence; the c. name uses the placement nearest the transcript's 3' end. VCF-style (leftmost placement, unchanged base first): chr9-2718220-GTCTACAATT-G. GRCh37 (hg19) VCF-style: chr9-2718220-GTCTACAATT-G.
Identifiers: ClinVar variation 1059391 (VCV001059391.9), dbSNP rs2130860666, ClinGen allele CA2499219830.